The following is an entry in ClinVar:

NM_000188.3(HK1):c.2466G>T (p.Val822=)

Gene: HK1 (hexokinase 1; plus strand). Cytogenetic location: 10q22.1.
Variant type: single nucleotide variant.
Coding change: c.2466G>T on transcript NM_000188.3 (MANE Select); coding-DNA position 2466, G replaced by T.
Protein change: p.Val822=; no amino-acid change (valine 822 retained).
Molecular consequence: synonymous variant.
Genome position (GRCh38, 1-based): chr10:69,398,685, G>T. VCF-style: chr10-69398685-G-T. GRCh37 (hg19) VCF-style: chr10-71158441-G-T.
Other names: c.2463G>T, p.Val821= (NM_033496.3); c.2478G>T, p.Val826= (NM_033497.3, NM_033498.3, NM_001322364.2 and 1 more transcripts); c.2430G>T, p.Val810= (NM_033500.2); c.2571G>T, p.Val857= (NM_001322365.2); c.2382G>T, p.Val794= (NM_001322366.1); c.2370G>T, p.Val790= (NM_001322367.1).
Identifiers: ClinVar variation 1090066 (VCV001090066.44), dbSNP rs144185641, ClinGen allele CA5532861.
Genomic context (GRCh38, chr10:69,398,685, plus strand): 5'-TATCCTCCAGCAGCTAGGTCTGAATAGCACCTGCGATGACAGTATCCTCGTCAAGACAGT[G>T]TGCGGGGTGGTGTCCAGGAGGGCCGCACAGCTGTGTGGCGCAGGCATGGCTGCGGTTGTG-3'
Protein context (NP_000179.2, residues 812-832): TCDDSILVKT[Val822=]CGVVSRRAAQ

ClinVar aggregate classification (germline): Likely benign. Review status: criteria provided, multiple submitters, no conflicts (2 of 4 stars). 4 submissions from 4 submitters: Likely benign (4). Last evaluated 2026-01-25.

Allele frequency attached by ClinVar (database versions not stated): gnomAD 0.00016 and 0.00017; gnomAD exomes 0.00022 and 0.00027; ExAC 0.00027; ESP Exome Variant Server 0.00046.
gnomAD v4.1: 421 of 1,614,112 alleles (0.026%); highest among the groups gnomAD compares: Non-Finnish European, 0.034%; no homozygotes.

Submissions (4):

Labcorp Genetics (formerly Invitae), Labcorp
Classification: Likely benign. Last evaluated: 2026-01-25. Review status: criteria provided, single submitter. Criteria: Invitae Variant Classification Sherloc (09022015). Collection method: clinical testing. Allele origin: germline.

CeGaT Center for Human Genetics Tuebingen
Classification: Likely benign. Last evaluated: 2025-05-01. Review status: criteria provided, single submitter. Criteria: CeGaT Center For Human Genetics Tuebingen Variant Classification Criteria Version 2. Collection method: clinical testing. Allele origin: germline. Affected: yes. Observed: 3 variant alleles.
Comment: HK1: BP4

Blueprint Genetics
Classification: Likely benign. Last evaluated: 2024-11-18. Review status: criteria provided, single submitter. Criteria: ACMG Guidelines, 2015. Collection method: clinical testing. Allele origin: germline.

ARUP Laboratories, Molecular Genetics and Genomics, ARUP Laboratories
Classification: Likely benign. Last evaluated: 2024-09-24. Review status: criteria provided, single submitter. Criteria: ARUP Molecular Germline Variant Investigation Process 2024. Collection method: clinical testing. Allele origin: germline.